The following is an entry in ClinVar:

NC_000023.10:g.(?_40440221)_(40466101_?)dup

Gene: ATP6AP2 (ATPase H+ transporting accessory protein 2; plus strand). Cytogenetic location: Xp11.4.
Variant type: Duplication.
Identifiers: ClinVar variation 3895563 (VCV003895563.1).

ClinVar aggregate classification (germline): Uncertain significance (1 of 4 stars; one submission).

Submission:

Women's Health and Genetics/Laboratory Corporation of America, LabCorp
Classification: Uncertain significance. Last evaluated: 2025-03-18. Review status: criteria provided, single submitter. Criteria: LabCorp Variant Classification Summary - May 2015. Collection method: clinical testing. Allele origin: germline.
Comment: Variant summary: The variant involves the duplication of exons 1-9 in the ATP6AP2 gene. A presumed nomenclature of c.(?_-97)_(*1094_?)dup has been designated for the purposes of this classification. This duplication includes the entire coding sequence of the gene. As exact breakpoints are unknown, it may extend beyond the annotated region of the gene, to include other flanking genes. The variant was absent in 16115 control chromosomes. The available data on variant occurrences in the general population are insufficient to allow any conclusion about variant significance. To our knowledge, no occurrence of isolated similar whole gene duplications in individuals affected with Syndromic X-Linked Intellectual Disability Hedera Type and no experimental evidence demonstrating its impact on protein function have been reported. ClinVar contains an entry for a similar whole gene duplication (Variation ID: 3244828). Based on the evidence outlined above, the variant was classified as uncertain significance.